The following is an entry in ClinVar:

ClinVar aggregate classification (germline): Uncertain significance (1 of 4 stars; one submission).

Allele frequency attached by ClinVar (database versions not stated): ExAC 0.00001.
gnomAD v4.1: 1 of 1,475,538 alleles (0.000068%); no homozygotes.

Submission:

Labcorp Genetics (formerly Invitae), Labcorp
Classification: Uncertain significance. Last evaluated: 2022-07-07. Review status: criteria provided, single submitter. Criteria: Invitae Variant Classification Sherloc (09022015). Collection method: clinical testing. Allele origin: germline.
Comment: This sequence change falls in intron 2 of the SI gene. It does not directly change the encoded amino acid sequence of the SI protein. It affects a nucleotide within the consensus splice site. This variant is present in population databases (rs764531814, gnomAD 0.003%). In summary, the available evidence is currently insufficient to determine the role of this variant in disease. Therefore, it has been classified as a Variant of Uncertain Significance. Variants that disrupt the consensus splice site are a relatively common cause of aberrant splicing (PMID: 17576681, 9536098). Algorithms developed to predict the effect of sequence changes on RNA splicing suggest that this variant may disrupt the consensus splice site. This variant has not been reported in the literature in individuals affected with SI-related conditions.

Literature cited by the submitters: PubMed 17576681; PubMed 9536098.

NM_001041.4(SI):c.118+5G>T

Gene: SI (sucrase-isomaltase; minus strand). Cytogenetic location: 3q26.1.
Variant type: single nucleotide variant.
Coding change: c.118+5G>T on transcript NM_001041.4 (MANE Select); 5 bases into the intron after coding-DNA position 118, G replaced by T.
Molecular consequence: intron variant.
Genome position (GRCh38, 1-based): chr3:165,075,890, C>A on the plus strand (G>T on the coding strand, the complement: SI is on the minus strand). VCF-style: chr3-165075890-C-A. GRCh37 (hg19) VCF-style: chr3-164793678-C-A.
Identifiers: ClinVar variation 1967495 (VCV001967495.3), dbSNP rs764531814, ClinGen allele CA2691635.